The following is an entry in ClinVar:

ClinVar aggregate classification (germline): Conflicting classifications of pathogenicity. Review status: criteria provided, conflicting classifications (1 of 4 stars). 2 submissions from 2 submitters: Likely pathogenic (1); Uncertain significance (1). Last evaluated 2026-04-17.

Conditions:
CDC42BPB-related neurodevelopmental syndrome.

Submissions (2):

GeneDx
Classification: Uncertain significance. Last evaluated: 2026-04-17. Review status: criteria provided, single submitter. Criteria: GeneDx Variant Classification Process June 2021. Collection method: clinical testing. Allele origin: germline.
Comment: Not observed at significant frequency in large population cohorts (gnomAD); In silico analysis suggests that this missense variant does not alter protein structure/function; This variant is associated with the following publications: (PMID: 32031333)

Wendy Chung Laboratory, Boston Children's Hospital
Classification: Likely pathogenic for CDC42BPB-related neurodevelopmental syndrome. Last evaluated: 2019-09-10. Review status: criteria provided, single submitter. Criteria: ACMG Guidelines, 2015. Collection method: research. Allele origin: de novo. Affected: yes. Observed: 1 variant allele.

NM_006035.4(CDC42BPB):c.3896G>A (p.Arg1299Gln)

Gene: CDC42BPB (CDC42 binding protein kinase beta; minus strand). Cytogenetic location: 14q32.32.
Variant type: single nucleotide variant.
Coding change: c.3896G>A on transcript NM_006035.4 (MANE Select); coding-DNA position 3896, G replaced by A.
Protein change: p.Arg1299Gln; replaces arginine 1299 with glutamine.
Molecular consequence: missense variant.
Genome position (GRCh38, 1-based): chr14:102,944,403, C>T on the plus strand (G>A on the coding strand, the complement: CDC42BPB is on the minus strand). VCF-style: chr14-102944403-C-T. GRCh37 (hg19) VCF-style: chr14-103410740-C-T.
Other names: c.3896G>A (NM_006035.3); short protein forms R1299Q.
Identifiers: ClinVar variation 694468 (VCV000694468.4), dbSNP rs1595450393, ClinGen allele CA391076181.